The following is an entry in ClinVar:

NM_002085.5(GPX4):c.180-3C>A

Gene: GPX4 (glutathione peroxidase 4; plus strand). Cytogenetic location: 19p13.3.
Variant type: single nucleotide variant.
Coding change: c.180-3C>A on transcript NM_002085.5 (MANE Select); 3 bases into the intron before coding-DNA position 180, C replaced by A.
Molecular consequence: intron variant.
Genome position (GRCh38, 1-based): chr19:1,105,363, C>A. VCF-style: chr19-1105363-C-A. GRCh37 (hg19) VCF-style: chr19-1105362-C-A.
Other names: c.180-3C>A (NM_001039847.3); c.99-3C>A (NM_001367832.1); c.291-3C>A (NM_001039848.4).
Identifiers: ClinVar variation 1404555 (VCV001404555.6), dbSNP rs8178971, ClinGen allele CA9037232.

ClinVar aggregate classification (germline): Uncertain significance (1 of 4 stars; one submission).

Allele frequency attached by ClinVar (database versions not stated): gnomAD exomes below 0.00001; ExAC 0.00001; gnomAD 0.00001.

Submission:

Labcorp Genetics (formerly Invitae), Labcorp
Classification: Uncertain significance. Last evaluated: 2023-07-17. Review status: criteria provided, single submitter. Criteria: Invitae Variant Classification Sherloc (09022015). Collection method: clinical testing. Allele origin: germline.
Comment: In summary, the available evidence is currently insufficient to determine the role of this variant in disease. Therefore, it has been classified as a Variant of Uncertain Significance. Variants that disrupt the consensus splice site are a relatively common cause of aberrant splicing (PMID: 17576681, 9536098). Algorithms developed to predict the effect of sequence changes on RNA splicing suggest that this variant may disrupt the consensus splice site. ClinVar contains an entry for this variant (Variation ID: 1404555). This variant has not been reported in the literature in individuals affected with GPX4-related conditions. This variant is present in population databases (rs8178971, gnomAD 0.007%). This sequence change falls in intron 2 of the GPX4 gene. It does not directly change the encoded amino acid sequence of the GPX4 protein. It affects a nucleotide within the consensus splice site.

Literature cited by the submitters: PubMed 17576681; PubMed 9536098.